The following is an entry in ClinVar:

NM_001128178.3(NPHP1):c.1389T>C (p.Tyr463=)

Gene: NPHP1 (nephrocystin 1; minus strand). Cytogenetic location: 2q13.
Variant type: single nucleotide variant.
Coding change: c.1389T>C on transcript NM_001128178.3 (MANE Select); coding-DNA position 1389, T replaced by C.
Protein change: p.Tyr463=; no amino-acid change (tyrosine 463 retained).
Molecular consequence: synonymous variant.
Genome position (GRCh38, 1-based): chr2:110,144,533, A>G on the plus strand (T>C on the coding strand, the complement: NPHP1 is on the minus strand). VCF-style: chr2-110144533-A-G. GRCh37 (hg19) VCF-style: chr2-110902110-A-G.
Other names: c.1557T>C (NM_000272.3); c.1557T>C, p.Tyr519= (NM_000272.5); c.1200T>C, p.Tyr400= (NM_001128179.3); c.1386T>C, p.Tyr462= (NM_001374256.1); c.1389T>C, p.Tyr463= (NM_001374257.1); c.1554T>C, p.Tyr518= (NM_207181.4).
Identifiers: ClinVar variation 2795756 (VCV002795756.4), dbSNP rs1215288938, ClinGen allele CA427924918.
Genomic context (GRCh38, chr2:110,144,533, plus strand): 5'-ACAACACATGAGAGCCATACCTCTTCTGGATATTGAAGGGTCCACTTCAATACCTTTTTC[A>G]TAAGGAGTACCACCATTCAAGAAAAGCTCATAAGTTCTATAAAAGAATAACATACAATGA-3'
Protein context (NP_001121650.1, residues 453-473): YELFLNGGTP[Tyr463=]EKGIEVDPSI

ClinVar aggregate classification (germline): Likely benign. Review status: criteria provided, multiple submitters, no conflicts (2 of 4 stars). 2 submissions from 2 submitters: Likely benign (2). Last evaluated 2026-06-18.

Conditions:
NPHP1-related disorder. Also called: NPHP1-related condition; NPHP1-related disorders.
Nephronophthisis. Also called: Juvenile Nephronophthisis. Identifiers: Orphanet 655, MedGen C0687120, MONDO:0019005, HP:0000090.

Allele frequency attached by ClinVar (database versions not stated): gnomAD 0.00001.
gnomAD v4.1: 1 of 1,606,218 alleles (0.000062%); highest among the groups gnomAD compares: East Asian, 0.0022%; no homozygotes.

Submissions (2):

PreventionGenetics, part of Exact Sciences
Classification: Likely benign for NPHP1-related condition. Last evaluated: 2026-06-18. Review status: criteria provided, single submitter. Criteria: ACMG Guidelines, 2015. Collection method: clinical testing. Allele origin: germline.
Comment: This variant is classified as likely benign based on ACMG/AMP sequence variant interpretation guidelines (Richards et al. 2015 PMID: 25741868, with internal and published modifications).

Labcorp Genetics (formerly Invitae), Labcorp
Classification: Likely benign for Nephronophthisis. Last evaluated: 2023-05-17. Review status: criteria provided, single submitter. Criteria: Invitae Variant Classification Sherloc (09022015). Collection method: clinical testing. Allele origin: germline.